The following is an entry in ClinVar:

ClinVar aggregate classification (germline): Uncertain significance. Review status: criteria provided, multiple submitters, no conflicts (2 of 4 stars). 2 submissions from 2 submitters: Uncertain significance (2). Last evaluated 2025-06-23.

Conditions:
Carney-Stratakis syndrome. Also called: PARAGANGLIOMA AND GASTROINTESTINAL STROMAL TUMOR. Identifiers: Orphanet 97286, MedGen C1847319, MONDO:0011740, OMIM 606864.
Pheochromocytoma. Also called: MAX-Related Hereditary Paraganglioma-Pheochromocytoma Syndrome. Identifiers: Orphanet 29072, MedGen C0031511, MONDO:0008233, OMIM 171300, HP:0002666.
Cowden syndrome 3 (CWS3). Identifiers: Orphanet 201, MedGen CN166604, MONDO:0014045.
Paragangliomas with sensorineural hearing loss. Identifiers: MedGen C1868633.
Hereditary pheochromocytoma and paraganglioma. Also called: Hereditary pheochromocytoma-paraganglioma; Hereditary Paraganglioma-Pheochromocytoma Syndromes; Hereditary paragangliomas and pheochromocytomas. Identifiers: Orphanet 29072, MedGen C4274332, MONDO:0017366.

Allele frequency attached by ClinVar (database versions not stated): TOPMed below 0.00001.
gnomAD v4.1: 1 of 1,590,186 alleles (0.000063%); highest among the groups gnomAD compares: Non-Finnish European, 0.000086%; no homozygotes.

Submissions (2):

Color Diagnostics, LLC DBA Color Health
Classification: Uncertain significance for Hereditary pheochromocytoma and paraganglioma. Last evaluated: 2025-06-23. Review status: criteria provided, single submitter. Criteria: ACMG Guidelines, 2015. Collection method: clinical testing. Allele origin: germline.
Comment: This missense variant replaces histidine with glutamine at codon 56 of the SDHD protein. Computational prediction is inconclusive regarding the impact of this variant on protein structure and function. To our knowledge, functional studies have not been reported for this variant. This variant has not been reported in individuals affected with SDHD-related disorders in the literature. This variant has not been identified in the general population by the Genome Aggregation Database (gnomAD). The available evidence is insufficient to determine the role of this variant in disease conclusively. Therefore, this variant is classified as a Variant of Uncertain Significance.

Labcorp Genetics (formerly Invitae), Labcorp
Classification: Uncertain significance for Carney-Stratakis syndrome; Paragangliomas with sensorineural hearing loss; Pheochromocytoma; Cowden syndrome 3. Last evaluated: 2020-06-03. Review status: criteria provided, single submitter. Criteria: Invitae Variant Classification Sherloc (09022015). Collection method: clinical testing. Allele origin: germline.
Comment: This variant has not been reported in the literature in individuals with SDHD-related conditions. This variant is not present in population databases (ExAC no frequency). This sequence change replaces histidine with glutamine at codon 56 of the SDHD protein (p.His56Gln). The histidine residue is moderately conserved and there is a small physicochemical difference between histidine and glutamine. Algorithms developed to predict the effect of missense changes on protein structure and function output the following: SIFT: "Tolerated"; PolyPhen-2: "Benign"; Align-GVGD: "Class C0". The glutamine amino acid residue is found in multiple mammalian species, suggesting that this missense change does not adversely affect protein function. These predictions have not been confirmed by published functional studies and their clinical significance is uncertain. In summary, the available evidence is currently insufficient to determine the role of this variant in disease. Therefore, it has been classified as a Variant of Uncertain Significance.

NM_003002.4(SDHD):c.168T>A (p.His56Gln)

Gene: SDHD (succinate dehydrogenase complex subunit D; plus strand). Cytogenetic location: 11q23.1.
Variant type: single nucleotide variant.
Coding change: c.168T>A on transcript NM_003002.4 (MANE Select); coding-DNA position 168, T replaced by A.
Protein change: p.His56Gln; replaces histidine 56 with glutamine.
Molecular consequence: missense variant. On other transcripts: non-coding transcript variant (1), intron variant (1).
Genome position (GRCh38, 1-based): chr11:112,087,972, T>A. VCF-style: chr11-112087972-T-A. GRCh37 (hg19) VCF-style: chr11-111958696-T-A.
Other names: c.168T>A, p.His56Gln (NM_001276503.2, NM_001276506.2); c.53-895T>A (NM_001276504.2); short protein forms H56Q.
Identifiers: ClinVar variation 955070 (VCV000955070.12), dbSNP rs1865657093, ClinGen allele CA382617133.